The following is an entry in ClinVar:

NM_007294.4(BRCA1):c.99A>T (p.Glu33Asp)

Gene: BRCA1 (BRCA1 DNA repair associated; minus strand). Cytogenetic location: 17q21.31.
Variant type: single nucleotide variant.
Coding change: c.99A>T on transcript NM_007294.4 (MANE Select); coding-DNA position 99, A replaced by T.
Protein change: p.Glu33Asp; replaces glutamic acid 33 with aspartic acid.
Molecular consequence: missense variant. On other transcripts: non-coding transcript variant (1), intron variant (1).
Genome position (GRCh38, 1-based): chr17:43,115,761, T>A on the plus strand (A>T on the coding strand, the complement: BRCA1 is on the minus strand). VCF-style: chr17-43115761-T-A. GRCh37 (hg19) VCF-style: chr17-41267778-T-A.
Other names: c.-90A>T (NM_001407571.1, NM_001407853.1, NM_001407879.1 and 52 more transcripts); c.99A>T, p.Glu33Asp (NM_001407581.1, NM_001407582.1, NM_001407583.1 and 192 more transcripts); c.-159A>T (NM_001407694.1, NM_001407696.1, NM_001407724.1 and 13 more transcripts); c.-163A>T (NM_001407695.1, NM_001408465.1); c.-43A>T (NM_001407697.1, NM_001407725.1, NM_001407728.1 and 47 more transcripts); c.-39A>T (NM_001407841.1); c.-206A>T (NM_001407889.1, NM_001407900.1, NM_001408492.1); c.-205A>T (NM_001407960.1, NM_001407962.1, NM_001408510.1 and 1 more transcripts); and 2 more; short protein forms E33D.
Identifiers: ClinVar variation 865116 (VCV000865116.3), dbSNP rs2055257088, ClinGen allele CA10601954.

Conditions:
Breast-ovarian cancer, familial, susceptibility to, 1 (BROVCA1). Also called: BRCA1 Hereditary Breast and Ovarian Cancer; OVARIAN CANCER, SUSCEPTIBILITY TO. Identifiers: Orphanet 145, MedGen C2676676, MONDO:0011450, OMIM 604370. Disease mechanism: loss of function.

Submission:

Brotman Baty Institute, University of Washington
No classification provided (evidence only). Condition: Breast-ovarian cancer, familial 1. Review status: no classification provided. Collection method: in vitro. Allele origin: not applicable. Functional consequence: functionally_normal.
ClinVar note: "not provided" was previously submitted as the classification for the variant. However, the classification appeared to be based only on an observation of functional data so it was converted to no classification on 2025-07-30.